The following is an entry in ClinVar:

NM_005120.3(MED12):c.2383C>T (p.Pro795Ser)

Gene: MED12 (mediator complex subunit 12; plus strand). Cytogenetic location: Xq13.1.
Variant type: single nucleotide variant.
Coding change: c.2383C>T on transcript NM_005120.3 (MANE Select); coding-DNA position 2383, C replaced by T.
Protein change: p.Pro795Ser; replaces proline 795 with serine.
Molecular consequence: missense variant.
Genome position (GRCh38, 1-based): chrX:71,125,674, C>T. VCF-style: chrX-71125674-C-T. GRCh37 (hg19) VCF-style: chrX-70345524-C-T.
Other names: short protein forms P795S.
Identifiers: ClinVar variation 639820 (VCV000639820.11), dbSNP rs1602297729, ClinGen allele CA413514843.

ClinVar aggregate classification (germline): Uncertain significance (1 of 4 stars; one submission).

Conditions:
FG syndrome (FGS). Identifiers: MedGen C0220769, MONDO:0002010.

Allele frequency attached by ClinVar (database versions not stated): gnomAD exomes below 0.00001.

Submission:

Labcorp Genetics (formerly Invitae), Labcorp
Classification: Uncertain significance for FG syndrome. Last evaluated: 2019-06-20. Review status: criteria provided, single submitter. Criteria: Invitae Variant Classification Sherloc (09022015). Collection method: clinical testing. Allele origin: germline.
Comment: In summary, the available evidence is currently insufficient to determine the role of this variant in disease. Therefore, it has been classified as a Variant of Uncertain Significance. This sequence change replaces proline with serine at codon 795 of the MED12 protein (p.Pro795Ser). The proline residue is highly conserved and there is a moderate physicochemical difference between proline and serine. This variant is not present in population databases (ExAC no frequency). This variant has not been reported in the literature in individuals with MED12-related disease. Algorithms developed to predict the effect of missense changes on protein structure and function (SIFT, PolyPhen-2, Align-GVGD) all suggest that this variant is likely to be tolerated, but these predictions have not been confirmed by published functional studies and their clinical significance is uncertain.